The following is an entry in ClinVar:

ClinVar aggregate classification (germline): Uncertain significance (1 of 4 stars; one submission).

Conditions:
Charcot-Marie-Tooth Neuropathy X. Identifiers: MedGen CN118851.

Submission:

Labcorp Genetics (formerly Invitae), Labcorp
Classification: Uncertain significance for Charcot-Marie-Tooth Neuropathy X. Last evaluated: 2021-12-21. Review status: criteria provided, single submitter. Criteria: Invitae Variant Classification Sherloc (09022015). Collection method: clinical testing. Allele origin: germline.
Comment: This sequence change replaces glycine, which is neutral and non-polar, with arginine, which is basic and polar, at codon 45 of the GJB1 protein (p.Gly45Arg). This variant is not present in population databases (gnomAD no frequency). This variant has not been reported in the literature in individuals affected with GJB1-related conditions. Algorithms developed to predict the effect of missense changes on protein structure and function are either unavailable or do not agree on the potential impact of this missense change (SIFT: "Deleterious"; PolyPhen-2: "Probably Damaging"; Align-GVGD: "Class C0"). In summary, the available evidence is currently insufficient to determine the role of this variant in disease. Therefore, it has been classified as a Variant of Uncertain Significance.

NM_000166.6(GJB1):c.133G>C (p.Gly45Arg)

Gene: GJB1 (gap junction protein beta 1; plus strand). Cytogenetic location: Xq13.1.
Variant type: single nucleotide variant.
Coding change: c.133G>C on transcript NM_000166.6 (MANE Select); coding-DNA position 133, G replaced by C.
Protein change: p.Gly45Arg; replaces glycine 45 with arginine.
Molecular consequence: missense variant.
Genome position (GRCh38, 1-based): chrX:71,223,840, G>C. VCF-style: chrX-71223840-G-C. GRCh37 (hg19) VCF-style: chrX-70443690-G-C.
Other names: c.133G>C, p.Gly45Arg (NM_001097642.3); short protein forms G45R.
Identifiers: ClinVar variation 2023422 (VCV002023422.4), dbSNP rs2519797847, ClinGen allele CA413501062.